The following is an entry in ClinVar:

NM_001267550.2(TTN):c.45199G>A (p.Asp15067Asn)

Genes: TTN (titin; minus strand), LOC126806427 (BRD4-independent group 4 enhancer GRCh37_chr2:179485777-179486976; plus strand). Cytogenetic location: 2q31.2.
Variant type: single nucleotide variant.
Coding change: c.45199G>A on transcript NM_001267550.2 (MANE Select); coding-DNA position 45199, G replaced by A.
Protein change: p.Asp15067Asn; replaces aspartic acid 15067 with asparagine.
Molecular consequence: missense variant.
Genome position (GRCh38, 1-based): chr2:178,621,625, C>T on the plus strand (G>A on the coding strand, the complement: TTN is on the minus strand). VCF-style: chr2-178621625-C-T. GRCh37 (hg19) VCF-style: chr2-179486352-C-T.
Other names: c.40276G>A, p.Asp13426Asn (NM_001256850.1); c.18004G>A, p.Asp6002Asn (NM_003319.4); c.37495G>A, p.Asp12499Asn (NM_133378.4); c.18379G>A, p.Asp6127Asn (NM_133432.3); c.18580G>A, p.Asp6194Asn (NM_133437.4); c.45199G>A (NM_001267550.1); short protein forms D12499N, D15067N, D13426N, D6127N, D6194N, D6002N.
Identifiers: ClinVar variation 191960 (VCV000191960.6), dbSNP rs370904881, ClinGen allele CA237969.
Genomic context (GRCh38, chr2:178,621,625, plus strand): 5'-GGATTCTCTTCCGTCCTTCAGTCAGTATTTCATATCTTCCTGTTTCAATGATCTCCTCAT[C>T]CCCTTTATACCAAATCACTTCTGCGCCAGGTTTGGAGACTTCACAAACCAGTTTTATAGT-3'
Protein context (NP_001254479.2, residues 15057-15077): PGAEVIWYKG[Asp15067Asn]EEIIETGRYE

ClinVar aggregate classification (germline): Uncertain significance. Review status: criteria provided, multiple submitters, no conflicts (2 of 4 stars). 5 submissions from 5 submitters: Uncertain significance (5). Last evaluated 2024-06-14.

Conditions:
Myopathy, myofibrillar, 9, with early respiratory failure (MFM9). Also called: EDSTROM MYOPATHY; MYOPATHY, PROXIMAL, WITH EARLY RESPIRATORY MUSCLE INVOLVEMENT; Myopathy, distal, with early respiratory failure, autosomal dominant; Hereditary myopathy with early respiratory failure. Identifiers: Orphanet 178464, Orphanet 34521, MedGen C1863599, MONDO:0011362, OMIM 603689.
Early-onset myopathy with fatal cardiomyopathy (CMYO5). Also called: CONGENITAL MYOPATHY 5 WITH CARDIOMYOPATHY; Salih Myopathy. Identifiers: Orphanet 289377, MedGen C2673677, MONDO:0012714, OMIM 611705. Disease mechanism: loss of function.
Hypertrophic cardiomyopathy 9. Also called: Familial hypertrophic cardiomyopathy 9. Identifiers: MedGen C1861065, MONDO:0013412, OMIM 613765.
Dilated cardiomyopathy 1G (CMD1G). Identifiers: Orphanet 154, MedGen C1858763, MONDO:0011400, OMIM 604145.
Tibial muscular dystrophy (TMD). Also called: UDD MYOPATHY; Tibial muscular dystrophy, tardive; Udd Distal Myopathy – Tibial Muscular Dystrophy. Identifiers: Orphanet 609, MedGen C1838244, MONDO:0010870, OMIM 600334.
Autosomal recessive limb-girdle muscular dystrophy type 2J (LGMDR10). Also called: MUSCULAR DYSTROPHY, LIMB-GIRDLE, AUTOSOMAL RECESSIVE 10; Limb-girdle muscular dystrophy, type 2J. Identifiers: Orphanet 140922, MedGen C1837342, MONDO:0012127, OMIM 608807.

Allele frequency attached by ClinVar (database versions not stated): gnomAD 0.00004; ExAC 0.00005; gnomAD exomes 0.00006 and 0.00010; TOPMed 0.00008; ESP Exome Variant Server 0.00025.
gnomAD v4.1: 151 of 1,612,338 alleles (0.0094%); highest among the groups gnomAD compares: Middle Eastern, 0.016%; no homozygotes.

Submissions (5):

Revvity Omics, Revvity
Classification: Uncertain significance. Last evaluated: 2024-06-14. Review status: criteria provided, single submitter. Criteria: ACMG Guidelines, 2015. Collection method: clinical testing. Allele origin: germline.

Women's Health and Genetics/Laboratory Corporation of America, LabCorp
Classification: Uncertain significance. Last evaluated: 2023-10-23. Review status: criteria provided, single submitter. Criteria: LabCorp Variant Classification Summary - May 2015. Collection method: clinical testing. Allele origin: germline.
Comment: Variant summary: TTN c.37495G>A (p.Asp12499Asn) results in a conservative amino acid change located in the I-band domain of the encoded protein sequence. Three of four in-silico tools predict a damaging effect of the variant on protein function. The variant allele was found at a frequency of 6.1e-05 in 247384 control chromosomes. c.37495G>A has been reported in the literature in an infant affected with sudden cardiac death with an alternate predicted pathogenic variant (e.g. Campuzano_2018). These report(s) do not provide unequivocal conclusions about association of the variant with Dilated Cardiomyopathy. To our knowledge, no experimental evidence demonstrating an impact on protein function has been reported. The following publication has been ascertained in the context of this evaluation (PMID: 30086531). Three submitters have cited clinical-significance assessments for this variant to ClinVar after 2014. All submitters classified the variant as uncertain significance. Based on the evidence outlined above, the variant was classified as uncertain significance.

Athena Diagnostics
Classification: Uncertain significance. Last evaluated: 2022-05-04. Review status: criteria provided, single submitter. Criteria: Athena Diagnostics Criteria. Collection method: clinical testing. Allele origin: unknown.

Fulgent Genetics
Classification: Uncertain significance for Tibial muscular dystrophy; Myopathy, myofibrillar, 9, with early respiratory failure; Dilated cardiomyopathy 1G; Autosomal recessive limb-girdle muscular dystrophy type 2J; Early-onset myopathy with fatal cardiomyopathy; Hypertrophic cardiomyopathy 9. Last evaluated: 2021-08-27. Review status: criteria provided, single submitter. Criteria: ACMG Guidelines, 2015. Collection method: clinical testing. Allele origin: unknown.

Biesecker Lab/Clinical Genomics Section, National Institutes of Health
Classification: Uncertain significance. Last evaluated: 2013-06-24. Review status: criteria provided, single submitter. Criteria: Ng et al. (Circ Cardiovasc Genet. 2013). Collection method: research. Allele origin: unknown. Observed: 1 variant allele. Study: ClinSeq.
Comment: The study set was not selected for affection status in relation to any cancer. Pathogenicity categories were based on literature curation. See Pubmed ID:23861362 for details.

Medical sequencing

Literature cited by the submitters: PubMed 30086531 (cited by Women's Health and Genetics/Laboratory Corporation of America, LabCorp and Athena Diagnostics).